The following is an entry in ClinVar:

ClinVar aggregate classification (germline): Uncertain significance (1 of 4 stars; one submission).

Conditions:
Inclusion body myopathy with Paget disease of bone and frontotemporal dementia. Also called: Inclusion body myopathy with early-onset Paget disease and frontotemporal dementia. Identifiers: Orphanet 52430, MedGen C1833662, MONDO:0000507.
Frontotemporal dementia and/or amyotrophic lateral sclerosis 6 (FTDALS6). Also called: VCP-Related Amyotrophic Lateral Sclerosis; VCP-Related Amyotrophic Lateral Sclerosis/Frontotemporal Dementia. Identifiers: Orphanet 275872, Orphanet 803, MedGen C5436279, MONDO:0013501, OMIM 613954.

Submission:

Labcorp Genetics (formerly Invitae), Labcorp
Classification: Uncertain significance for Inclusion body myopathy with Paget disease of bone and frontotemporal dementia; Frontotemporal dementia and/or amyotrophic lateral sclerosis 6. Last evaluated: 2024-07-23. Review status: criteria provided, single submitter. Criteria: Invitae Variant Classification Sherloc (09022015). Collection method: clinical testing. Allele origin: germline.
Comment: This sequence change replaces valine, which is neutral and non-polar, with leucine, which is neutral and non-polar, at codon 123 of the VCP protein (p.Val123Leu). This variant is not present in population databases (gnomAD no frequency). This missense change has been observed in individual(s) with multisystem proteinopathy (PMID: 37002192). Advanced modeling of protein sequence and biophysical properties (such as structural, functional, and spatial information, amino acid conservation, physicochemical variation, residue mobility, and thermodynamic stability) performed at Invitae indicates that this missense variant is not expected to disrupt VCP protein function with a negative predictive value of 80%. In summary, the available evidence is currently insufficient to determine the role of this variant in disease. Therefore, it has been classified as a Variant of Uncertain Significance.

Literature cited by the submitters: PubMed 37002192.

NM_007126.5(VCP):c.367G>C (p.Val123Leu)

Gene: VCP (valosin containing protein; minus strand). Cytogenetic location: 9p13.3.
Variant type: single nucleotide variant.
Coding change: c.367G>C on transcript NM_007126.5 (MANE Select); coding-DNA position 367, G replaced by C.
Protein change: p.Val123Leu; replaces valine 123 with leucine.
Molecular consequence: missense variant.
Genome position (GRCh38, 1-based): chr9:35,066,753, C>G on the plus strand (G>C on the coding strand, the complement: VCP is on the minus strand). VCF-style: chr9-35066753-C-G. GRCh37 (hg19) VCF-style: chr9-35066750-C-G.
Other names: c.232G>C, p.Val78Leu (NM_001354927.2, NM_001354928.2); short protein forms V78L, V123L.
Identifiers: ClinVar variation 2947501 (VCV002947501.3), dbSNP rs2131038977, ClinGen allele CA373292169.